The following is an entry in ClinVar:

NM_172245.4(CSF2RA):c.781-4C>A

Gene: CSF2RA (colony stimulating factor 2 receptor subunit alpha; plus strand). Cytogenetic location: Xp22.33.
Variant type: single nucleotide variant.
Coding change: c.781-4C>A on transcript NM_172245.4 (MANE Select); 4 bases into the intron before coding-DNA position 781, C replaced by A.
Molecular consequence: intron variant.
Genome position (GRCh38, 1-based): chrX:1,295,423, C>A. VCF-style: chrX-1295423-C-A. GRCh37 (hg19) VCF-style: chrX-1414316-C-A.
Other names: c.781-4C>A (NM_001379163.1, NM_001379159.1, NM_001379162.1 and 17 more transcripts); c.646+4914C>A (NM_172249.4); c.780+962C>A (NM_001379160.1); c.762-4C>A (NM_001379166.1); c.382-4C>A (NM_001161532.2).
Identifiers: ClinVar variation 4996879 (VCV004996879.1).
Genomic context (GRCh38, chrX:1,295,423, plus strand): 5'-ACCATCTACAGTGTTTTAGAAATGGAAACAGTGAGCCTTGTGTTGTGTTTTGTTTTGTTT[C>A]TAGAATACCCAGCCTGGCACGGAAAACCTACTGGTAAGTGAAACCACAGACCCTACTGAC-3'

ClinVar aggregate classification (germline): Likely benign (1 of 4 stars; one submission).

Conditions:
CSF2RA-related disorder. Also called: CSF2RA-related condition.

Submission:

PreventionGenetics, part of Exact Sciences
Classification: Likely benign for CSF2RA-related condition. Last evaluated: 2025-07-29. Review status: criteria provided, single submitter. Criteria: ACMG Guidelines, 2015. Collection method: clinical testing. Allele origin: germline.
Comment: This variant is classified as likely benign based on ACMG/AMP sequence variant interpretation guidelines (Richards et al. 2015 PMID: 25741868, with internal and published modifications).